The following is an entry in ClinVar:

NM_004656.4(BAP1):c.659+2T>G

Gene: BAP1 (BRCA1 associated deubiquitinase 1; minus strand). Cytogenetic location: 3p21.1.
Variant type: single nucleotide variant.
Coding change: c.659+2T>G on transcript NM_004656.4 (MANE Select); the canonical splice donor site of the intron after coding-DNA position 659, T replaced by G.
Molecular consequence: splice donor variant.
Genome position (GRCh38, 1-based): chr3:52,406,827, A>C on the plus strand (T>G on the coding strand, the complement: BAP1 is on the minus strand). VCF-style: chr3-52406827-A-C. GRCh37 (hg19) VCF-style: chr3-52440843-A-C.
Other names: c.659+2T>G (NM_001410772.1).
Identifiers: ClinVar variation 2855439 (VCV002855439.3), dbSNP rs1578225739, ClinGen allele CA353108682.

ClinVar aggregate classification (germline): Pathogenic (1 of 4 stars; one submission).

Conditions:
BAP1-related tumor predisposition syndrome (TPDS1). Also called: Tumor susceptibility linked to germline BAP1 mutations; BAP1 tumor predisposition syndrome; COMMON Syndrome; TUMOR PREDISPOSITION SYNDROME 1. Identifiers: Orphanet 289539, MedGen C3280492, MONDO:0013692, OMIM 614327.

Submission:

Labcorp Genetics (formerly Invitae), Labcorp
Classification: Pathogenic for BAP1-related tumor predisposition syndrome. Last evaluated: 2025-01-27. Review status: criteria provided, single submitter. Criteria: Invitae Variant Classification Sherloc (09022015). Collection method: clinical testing. Allele origin: germline.
Comment: This sequence change affects a donor splice site in intron 8 of the BAP1 gene. It is expected to disrupt RNA splicing. Variants that disrupt the donor or acceptor splice site typically lead to a loss of protein function (PMID: 16199547), and loss-of-function variants in BAP1 are known to be pathogenic (PMID: 21874000, 23684012). This variant is not present in population databases (gnomAD no frequency). Disruption of this splice site has been observed in individuals with clinical features consistent with BAP1-related cancer risk (PMID: 30975761; internal data). ClinVar contains an entry for this variant (Variation ID: 2855439). Algorithms developed to predict the effect of sequence changes on RNA splicing suggest that this variant may disrupt the consensus splice site. For these reasons, this variant has been classified as Pathogenic.

Literature cited by the submitters: PubMed 16199547; PubMed 21874000; PubMed 23684012; PubMed 30975761.